The following is an entry in ClinVar:

ClinVar aggregate classification (germline): Uncertain significance. Review status: criteria provided, multiple submitters, no conflicts (2 of 4 stars). 2 submissions from 2 submitters: Uncertain significance (2). Last evaluated 2024-04-09.

Conditions:
Inborn genetic diseases. Identifiers: MedGen C0950123, MeSH D030342.

Allele frequency attached by ClinVar (database versions not stated): gnomAD 0.00001 and 0.00003.
gnomAD v4.1: 61 of 1,592,310 alleles (0.0038%); highest among the groups gnomAD compares: South Asian, 0.055%; no homozygotes.

Submissions (2):

Ambry Genetics
Classification: Uncertain significance for Inborn genetic diseases. Last evaluated: 2024-04-09. Review status: criteria provided, single submitter. Criteria: Ambry Variant Classification Scheme 2023. Collection method: clinical testing. Allele origin: germline.

Labcorp Genetics (formerly Invitae), Labcorp
Classification: Uncertain significance. Last evaluated: 2021-12-29. Review status: criteria provided, single submitter. Criteria: Invitae Variant Classification Sherloc (09022015). Collection method: clinical testing. Allele origin: germline.
Comment: This sequence change replaces glycine, which is neutral and non-polar, with arginine, which is basic and polar, at codon 82 of the TTC19 protein (p.Gly82Arg). This variant is present in population databases (rs760920370, gnomAD 0.05%). This variant has not been reported in the literature in individuals affected with TTC19-related conditions. Algorithms developed to predict the effect of missense changes on protein structure and function (SIFT, PolyPhen-2, Align-GVGD) all suggest that this variant is likely to be tolerated. In summary, the available evidence is currently insufficient to determine the role of this variant in disease. Therefore, it has been classified as a Variant of Uncertain Significance.

NM_017775.4(TTC19):c.244G>C (p.Gly82Arg)

Genes: TTC19 (tetratricopeptide repeat domain 19; plus strand), LOC130060311 (ATAC-STARR-seq lymphoblastoid silent region 8214; plus strand). Cytogenetic location: 17p12.
Variant type: single nucleotide variant.
Coding change: c.244G>C on transcript NM_017775.4 (MANE Select); coding-DNA position 244, G replaced by C.
Protein change: p.Gly82Arg; replaces glycine 82 with arginine.
Molecular consequence: missense variant. On other transcripts: 5 prime UTR variant (1).
Genome position (GRCh38, 1-based): chr17:16,000,177, G>C. VCF-style: chr17-16000177-G-C. GRCh37 (hg19) VCF-style: chr17-15903491-G-C.
Other names: c.-215G>C (NM_001271420.2); c.607G>C (NM_017775.2); short protein forms G82R.
Identifiers: ClinVar variation 1427864 (VCV001427864.4), dbSNP rs760920370, ClinGen allele CA8407264.